The following is an entry in ClinVar:

NM_030957.4(ADAMTS10):c.1084+6C>T

Gene: ADAMTS10 (ADAM metallopeptidase with thrombospondin type 1 motif 10; minus strand). Cytogenetic location: 19p13.2.
Variant type: single nucleotide variant.
Coding change: c.1084+6C>T on transcript NM_030957.4 (MANE Select); 6 bases into the intron after coding-DNA position 1084, C replaced by T.
Molecular consequence: intron variant.
Genome position (GRCh38, 1-based): chr19:8,596,536, G>A on the plus strand (C>T on the coding strand, the complement: ADAMTS10 is on the minus strand). VCF-style: chr19-8596536-G-A. GRCh37 (hg19) VCF-style: chr19-8661420-G-A.
Identifiers: ClinVar variation 2500012 (VCV002500012.1), dbSNP rs546632704, ClinGen allele CA9160647.
Genomic context (GRCh38, chr19:8,596,536, plus strand): 5'-CACCTGCCAGGTCTCACCCCAGCCCACTGCCTTCATAGGCGCCTGAAACCTACGGGGCTC[G>A]GGTACCTAGTGTGCCGCAGGGTTTGTTCTTGTAGATGCAGATGTCATAGCTGTAAAAGGA-3'

ClinVar aggregate classification (germline): Uncertain significance (1 of 4 stars; one submission).

Conditions:
Weill-Marchesani syndrome 1 (WMS1). Also called: Weill-Marchesani Syndrome, Autosomal Recessive; Weill-Marchesani syndrome 1, recessive; ADAMTS10-Related Weill-Marchesani Syndrome. Identifiers: Orphanet 3449, MedGen C4552002, MONDO:0010194, OMIM 277600.

Allele frequency attached by ClinVar (database versions not stated): TOPMed 0.00001; gnomAD 0.00004; ExAC 0.00012; 1000 Genomes Project 30x 0.00016; 1000 Genomes Project 0.00020.
gnomAD v4.1: 81 of 1,613,974 alleles (0.005%); highest among the groups gnomAD compares: South Asian, 0.081%; no homozygotes.

Submission:

Center for Genomics, Ann and Robert H. Lurie Children's Hospital of Chicago
Classification: Uncertain significance for Weill-Marchesani syndrome 1. Last evaluated: 2022-10-20. Review status: criteria provided, single submitter. Criteria: ACMG Guidelines, 2015. Collection method: clinical testing. Allele origin: germline.
Comment: This variant has not been reported in the literature but is present in the Genome Aggregation Database (Highest reported MAF: 0.1% [31/30612]). Although this variant occurs in the splice region, computational prediction tools do not suggest that it alters splicing. However, further studies are needed to understand its impact. In summary, data on this variant is insufficient for disease classification. Therefore, the clinical significance of this variant is uncertain.